The following is an entry in ClinVar:

NM_004304.5(ALK):c.178G>A (p.Val60Met)

Gene: ALK (ALK receptor tyrosine kinase; minus strand). Cytogenetic location: 2p23.1.
Variant type: single nucleotide variant.
Coding change: c.178G>A on transcript NM_004304.5 (MANE Select); coding-DNA position 178, G replaced by A.
Protein change: p.Val60Met; replaces valine 60 with methionine.
Molecular consequence: missense variant.
Genome position (GRCh38, 1-based): chr2:29,920,482, C>T on the plus strand (G>A on the coding strand, the complement: ALK is on the minus strand). VCF-style: chr2-29920482-C-T. GRCh37 (hg19) VCF-style: chr2-30143348-C-T.
Other names: short protein forms V60M.
Identifiers: ClinVar variation 939004 (VCV000939004.11), dbSNP rs1031804606, ClinGen allele CA346590541.

ClinVar aggregate classification (germline): Uncertain significance. Review status: criteria provided, multiple submitters, no conflicts (2 of 4 stars). 3 submissions from 3 submitters: Uncertain significance (3). Last evaluated 2025-12-21.

Conditions:
Hereditary cancer-predisposing syndrome. Also called: Tumor predisposition; Hereditary neoplastic syndrome; Hereditary Cancer Syndrome; Neoplastic Syndromes, Hereditary. Identifiers: Orphanet 140162, MedGen C0027672, MeSH D009386, MONDO:0015356.
Neuroblastoma, susceptibility to, 3. Also called: ALK-Related Neuroblastic Tumor Susceptibility. Identifiers: Orphanet 635, MedGen C2751681, MONDO:0013083, OMIM 613014.

Allele frequency attached by ClinVar (database versions not stated): gnomAD exomes below 0.00001.
gnomAD v4.1: 1 of 1,613,068 alleles (0.000062%); highest among the groups gnomAD compares: Non-Finnish European, 0.000085%; no homozygotes.

Submissions (3):

Ambry Genetics
Classification: Uncertain significance for Hereditary cancer-predisposing syndrome. Last evaluated: 2025-12-21. Review status: criteria provided, single submitter. Criteria: Ambry Variant Classification Scheme 2023. Collection method: clinical testing. Allele origin: germline.
Comment: The p.V60M variant (also known as c.178G>A), located in coding exon 1 of the ALK gene, results from a G to A substitution at nucleotide position 178. The valine at codon 60 is replaced by methionine, an amino acid with highly similar properties. This amino acid position is conserved. In addition, the in silico prediction for this alteration is inconclusive. Since supporting evidence is limited at this time, the clinical significance of this alteration remains unclear.

Labcorp Genetics (formerly Invitae), Labcorp
Classification: Uncertain significance for Neuroblastoma, susceptibility to, 3. Last evaluated: 2023-12-08. Review status: criteria provided, single submitter. Criteria: Invitae Variant Classification Sherloc (09022015). Collection method: clinical testing. Allele origin: germline.
Comment: This sequence change replaces valine, which is neutral and non-polar, with methionine, which is neutral and non-polar, at codon 60 of the ALK protein (p.Val60Met). This variant is not present in population databases (gnomAD no frequency). This variant has not been reported in the literature in individuals affected with ALK-related conditions. ClinVar contains an entry for this variant (Variation ID: 939004). An algorithm developed to predict the effect of missense changes on protein structure and function (PolyPhen-2) suggests that this variant is likely to be disruptive. In summary, the available evidence is currently insufficient to determine the role of this variant in disease. Therefore, it has been classified as a Variant of Uncertain Significance.

Baylor Genetics
Classification: Uncertain significance for Neuroblastoma, susceptibility to, 3. Last evaluated: 2023-05-12. Review status: criteria provided, single submitter. Criteria: ACMG Guidelines, 2015. Collection method: clinical testing. Allele origin: unknown.